The following is an entry in ClinVar:

NM_000059.4(BRCA2):c.7517dup (p.Pro2507fs)

Gene: BRCA2 (BRCA2 DNA repair associated; plus strand). Cytogenetic location: 13q13.1.
Variant type: Duplication.
Coding change: c.7517dup on transcript NM_000059.4 (MANE Select); coding-DNA position 7517, one base duplicated (A; older notation c.7517dupA).
Protein change: p.Pro2507fs; shifts the reading frame from proline 2507.
Molecular consequence: frameshift variant.
Genome position (GRCh38, 1-based): chr13:32,356,509, A duplicated. VCF-style (leftmost placement, unchanged base first): chr13-32356508-C-CA. GRCh37 (hg19) VCF-style: chr13-32930645-C-CA.
Other names: 7745insA; c.7517dupA (NM_000059.3); short protein forms P2507fs.
Identifiers: ClinVar variation 267017 (VCV000267017.12), dbSNP rs886040713, ClinGen allele CA10589434.
Genomic context (GRCh38, chr13:32,356,508, plus strand): 5'-AATGCCAGAGATATACAGGATATGCGAATTAAGAAGAAACAAAGGCAACGCGTCTTTCCA[C>CA]AGCCAGGCAGTCTGTATCTTGCAAAAACATCCACTCTGCCTCGAATCTCTCTGAAAGCAG-3'

ClinVar aggregate classification (germline): Pathogenic. Review status: reviewed by expert panel (3 of 4 stars). 3 submissions from 3 submitters: Pathogenic (1). 2 of the submissions do not count toward it. Last evaluated 2016-10-18.

Conditions:
Breast-ovarian cancer, familial, susceptibility to, 2 (BROVCA2). Also called: BRCA2 Hereditary Breast and Ovarian Cancer. Identifiers: Orphanet 145, MedGen C2675520, MONDO:0012933, OMIM 612555. Disease mechanism: loss of function.
Hereditary breast ovarian cancer syndrome. Also called: BRCA1- and BRCA2-Associated Hereditary Breast and Ovarian Cancer; Hereditary breast and ovarian cancer; Breast and ovarian cancer; Hereditary breast and/or ovarian cancer syndrome; Hereditary breast and ovarian cancer syndrome; Hereditary breast and ovarian cancer syndrome (HBOC). Identifiers: Orphanet 145, MedGen C0677776, MeSH D061325, MONDO:0003582. Disease mechanism: loss of function.

Submissions (3):

Evidence-based Network for the Interpretation of Germline Mutant Alleles (ENIGMA)
Classification: Pathogenic for Breast-ovarian cancer, familial, susceptibility to, 2. Last evaluated: 2016-10-18. Review status: reviewed by expert panel. Criteria: ENIGMA BRCA1/2 Classification Criteria (2015). Collection method: curation. Allele origin: germline.
Comment: Variant allele predicted to encode a truncated non-functional protein.

Labcorp Genetics (formerly Invitae), Labcorp
Classification: Pathogenic for Hereditary breast ovarian cancer syndrome. Last evaluated: 2018-11-29. Review status: criteria provided, single submitter. Criteria: Invitae Variant Classification Sherloc (09022015). Collection method: clinical testing. Allele origin: germline. Not counted in ClinVar's aggregate classification.
Comment: For these reasons, this variant has been classified as Pathogenic. Loss-of-function variants in BRCA2 are known to be pathogenic (PMID: 20104584). This variant has been reported in individuals in the Leiden Open-source Variation Database (PMID: 21520333). ClinVar contains an entry for this variant (Variation ID: 267017). This variant is not present in population databases (ExAC no frequency). This sequence change creates a premature translational stop signal (p.Pro2507Alafs*32) in the BRCA2 gene. It is expected to result in an absent or disrupted protein product.

Consortium of Investigators of Modifiers of BRCA1/2 (CIMBA), c/o University of Cambridge
Classification: Pathogenic for Breast-ovarian cancer, familial, susceptibility to, 2. Last evaluated: 2015-10-02. Review status: criteria provided, single submitter. Criteria: CIMBA Mutation Classification guidelines May 2016. Collection method: clinical testing. Allele origin: germline. Not counted in ClinVar's aggregate classification.

Literature cited by the submitters: PubMed 20104584 (cited by Labcorp Genetics (formerly Invitae), Labcorp); PubMed 21520333 (cited by Labcorp Genetics (formerly Invitae), Labcorp).